The following is an entry in ClinVar:

ClinVar aggregate classification (germline): Likely benign. Review status: criteria provided, multiple submitters, no conflicts (2 of 4 stars). 2 submissions from 2 submitters: Likely benign (2). Last evaluated 2025-03-16.

Conditions:
Aicardi-Goutieres syndrome 6 (AGS6). Identifiers: Orphanet 51, MedGen C3539013, MONDO:0014007, OMIM 615010.
Symmetrical dyschromatosis of extremities (DSH). Also called: DYSCHROMATOSIS SYMMETRICA HEREDITARIA 1; RETICULATE ACROPIGMENTATION OF DOHI; SYMMETRIC DYSCHROMATOSIS OF THE EXTREMITIES; Dyschromatosis symmetrica hereditaria. Identifiers: Orphanet 41, MedGen C0406775, MONDO:0007483, OMIM 127400.

Allele frequency attached by ClinVar (database versions not stated): gnomAD exomes below 0.00001; ExAC 0.00001.

Submissions (2):

Labcorp Genetics (formerly Invitae), Labcorp
Classification: Likely benign for Aicardi-Goutieres syndrome 6; Symmetrical dyschromatosis of extremities. Last evaluated: 2025-03-16. Review status: criteria provided, single submitter. Criteria: Invitae Variant Classification Sherloc (09022015). Collection method: clinical testing. Allele origin: germline.

CeGaT Center for Human Genetics Tuebingen
Classification: Likely benign. Last evaluated: 2023-11-01. Review status: criteria provided, single submitter. Criteria: CeGaT Center For Human Genetics Tuebingen Variant Classification Criteria Version 2. Collection method: clinical testing. Allele origin: germline. Affected: yes. Observed: 1 variant allele.
Comment: ADAR: BP4, BP7

NM_001111.5(ADAR):c.2262C>T (p.His754=)

Gene: ADAR (adenosine deaminase RNA specific; minus strand). Cytogenetic location: 1q21.3.
Variant type: single nucleotide variant.
Coding change: c.2262C>T on transcript NM_001111.5 (MANE Select); coding-DNA position 2262, C replaced by T.
Protein change: p.His754=; no amino-acid change (histidine 754 retained).
Molecular consequence: synonymous variant.
Genome position (GRCh38, 1-based): chr1:154,596,813, G>A on the plus strand (C>T on the coding strand, the complement: ADAR is on the minus strand). VCF-style: chr1-154596813-G-A. GRCh37 (hg19) VCF-style: chr1-154569289-G-A.
Other names: c.1377C>T, p.His459= (NM_001025107.3, NM_001193495.2, NM_001365046.1 and 3 more transcripts); c.2289C>T, p.His763= (NM_001365045.1); c.2262C>T, p.His754= (NM_015840.4); c.2205C>T, p.His735= (NM_015841.4).
Identifiers: ClinVar variation 1954311 (VCV001954311.28), dbSNP rs779685414, ClinGen allele CA1131346.